The following is an entry in ClinVar:

NM_003002.4(SDHD):c.199A>C (p.Thr67Pro)

Gene: SDHD (succinate dehydrogenase complex subunit D; plus strand). Cytogenetic location: 11q23.1.
Variant type: single nucleotide variant.
Coding change: c.199A>C on transcript NM_003002.4 (MANE Select); coding-DNA position 199, A replaced by C.
Protein change: p.Thr67Pro; replaces threonine 67 with proline.
Molecular consequence: missense variant. On other transcripts: non-coding transcript variant (1), intron variant (1).
Genome position (GRCh38, 1-based): chr11:112,088,896, A>C. VCF-style: chr11-112088896-A-C. GRCh37 (hg19) VCF-style: chr11-111959620-A-C.
Other names: c.82A>C, p.Thr28Pro (NM_001276504.2); c.199A>C, p.Thr67Pro (NM_001276506.2); c.169+923A>C (NM_001276503.2); short protein forms T28P, T67P.
Identifiers: ClinVar variation 4864292 (VCV004864292.1).

ClinVar aggregate classification (germline): Uncertain significance (1 of 4 stars; one submission).

Conditions:
Hereditary cancer-predisposing syndrome. Also called: Neoplastic Syndromes, Hereditary; Tumor predisposition; Hereditary Cancer Syndrome; Hereditary neoplastic syndrome. Identifiers: Orphanet 140162, MedGen C0027672, MeSH D009386, MONDO:0015356.

Submission:

Ambry Genetics
Classification: Uncertain significance for Hereditary cancer-predisposing syndrome. Last evaluated: 2026-04-26. Review status: criteria provided, single submitter. Criteria: Ambry Variant Classification Scheme 2023. Collection method: clinical testing. Allele origin: germline.
Comment: The p.T67P variant (also known as c.199A>C), located in coding exon 3 of the SDHD gene, results from an A to C substitution at nucleotide position 199. The threonine at codon 67 is replaced by proline, an amino acid with highly similar properties. This amino acid position is conserved. In addition, this alteration is predicted to be deleterious by in silico analysis. Based on the available evidence, the clinical significance of this variant remains unclear.